The following is an entry in ClinVar:

NM_006494.4(ERF):c.103G>T (p.Glu35Ter)

Gene: ERF (ETS2 repressor factor; minus strand). Cytogenetic location: 19q13.2.
Variant type: single nucleotide variant.
Coding change: c.103G>T on transcript NM_006494.4 (MANE Select); coding-DNA position 103, G replaced by T.
Protein change: p.Glu35Ter; replaces glutamic acid 35 with a stop codon.
Molecular consequence: nonsense. On other transcripts: 5 prime UTR variant (4), intron variant (1).
Genome position (GRCh38, 1-based): chr19:42,250,485, C>A on the plus strand (G>T on the coding strand, the complement: ERF is on the minus strand). VCF-style: chr19-42250485-C-A. GRCh37 (hg19) VCF-style: chr19-42754637-C-A.
Other names: c.-123G>T (NM_001301035.2, NM_001308402.2, NM_001312656.2 and 1 more transcripts); c.-550-543G>T (NM_001440421.1); short protein forms E35*.
Identifiers: ClinVar variation 4082546 (VCV004082546.3).

ClinVar aggregate classification (germline): Pathogenic (1 of 4 stars; one submission).

Conditions:
Common craniosynostosis syndromes.

Submission:

Genetics Laboratory, Great Ormond Street Hospital NHS Foundation Trust, North Thames Genomic Laboratory Hub
Classification: Pathogenic for Common craniosynostosis syndromes. Last evaluated: 2026-08-26. Review status: criteria provided, single submitter. Criteria: ACGS Best Practice Guidelines for Variant Classification in Rare Disease 2024 v1.2. Collection method: clinical testing. Allele origin: germline. Affected: yes.
Comment: PM2_moderate, PVS1_very-strong